The following is an entry in ClinVar:

ClinVar aggregate classification (germline): Uncertain significance (1 of 4 stars; one submission).

Allele frequency attached by ClinVar (database versions not stated): gnomAD 0.00002; TOPMed 0.00002; ExAC 0.00004.
gnomAD v4.1: 27 of 1,606,802 alleles (0.0017%); highest among the groups gnomAD compares: Admixed American, 0.01%; no homozygotes.

Submission:

Labcorp Genetics (formerly Invitae), Labcorp
Classification: Uncertain significance. Last evaluated: 2022-10-13. Review status: criteria provided, single submitter. Criteria: Invitae Variant Classification Sherloc (09022015). Collection method: clinical testing. Allele origin: germline.
Comment: This variant is present in population databases (rs769926140, gnomAD 0.006%). This variant has not been reported in the literature in individuals affected with MPDZ-related conditions. Algorithms developed to predict the effect of missense changes on protein structure and function output the following: SIFT: "Deleterious"; PolyPhen-2: "Benign"; Align-GVGD: "Class C0". The cysteine amino acid residue is found in multiple mammalian species, which suggests that this missense change does not adversely affect protein function. In summary, the available evidence is currently insufficient to determine the role of this variant in disease. Therefore, it has been classified as a Variant of Uncertain Significance. This sequence change replaces tyrosine, which is neutral and polar, with cysteine, which is neutral and slightly polar, at codon 1976 of the MPDZ protein (p.Tyr1976Cys).

NM_001378778.1(MPDZ):c.6014A>G (p.Tyr2005Cys)

Gene: MPDZ (multiple PDZ domain crumbs cell polarity complex component; minus strand). Cytogenetic location: 9p23.
Variant type: single nucleotide variant.
Coding change: c.6014A>G on transcript NM_001378778.1 (MANE Select); coding-DNA position 6014, A replaced by G.
Protein change: p.Tyr2005Cys; replaces tyrosine 2005 with cysteine.
Molecular consequence: missense variant.
Genome position (GRCh38, 1-based): chr9:13,108,988, T>C on the plus strand (A>G on the coding strand, the complement: MPDZ is on the minus strand). VCF-style: chr9-13108988-T-C. GRCh37 (hg19) VCF-style: chr9-13108987-T-C.
Other names: c.5915A>G, p.Tyr1972Cys (NM_001261406.2, NM_001375416.1, NM_001375417.1 and 1 more transcripts); c.5828A>G, p.Tyr1943Cys (NM_001261407.2, NM_001375419.1); c.6014A>G, p.Tyr2005Cys (NM_001330637.2); c.6113A>G, p.Tyr2038Cys (NM_001375413.1); c.5804A>G, p.Tyr1935Cys (NM_001375420.1, NM_001375421.1, NM_001375422.1 and 2 more transcripts); c.5717A>G, p.Tyr1906Cys (NM_001375425.1, NM_001375426.1); c.5606A>G, p.Tyr1869Cys (NM_001375427.1); c.5927A>G, p.Tyr1976Cys (NM_003829.5); short protein forms Y1976C, Y1906C, Y1935C, Y1943C, Y2038C, Y1869C, Y2005C, Y1972C.
Identifiers: ClinVar variation 2083248 (VCV002083248.2), dbSNP rs769926140, ClinGen allele CA4985996.